The following is an entry in ClinVar:

ClinVar aggregate classification (germline): Benign/Likely benign. Review status: criteria provided, multiple submitters, no conflicts (2 of 4 stars). 3 submissions from 3 submitters: Benign (1); Likely benign (2). Last evaluated 2026-02-01.

Allele frequency attached by ClinVar (database versions not stated): 1000 Genomes Project 0.00200; 1000 Genomes Project 30x 0.00203; TOPMed 0.00459; gnomAD exomes 0.00460; ExAC 0.00465; gnomAD 0.00480 and 0.00505; ESP Exome Variant Server 0.00515.
gnomAD v4.1: 11,010 of 1,608,912 alleles (0.68%); highest among the groups gnomAD compares: Non-Finnish European, 0.84%; 50 homozygotes.

Submissions (3):

CeGaT Center for Human Genetics Tuebingen
Classification: Likely benign. Last evaluated: 2026-02-01. Review status: criteria provided, single submitter. Criteria: CeGaT Center For Human Genetics Tuebingen Variant Classification Criteria Version 2. Collection method: clinical testing. Allele origin: germline. Affected: yes. Observed: 14 variant alleles.
Comment: SLC25A10: BP4, BP7, BS2

Labcorp Genetics (formerly Invitae), Labcorp
Classification: Benign. Last evaluated: 2018-12-19. Review status: criteria provided, single submitter. Criteria: Invitae Variant Classification Sherloc (09022015). Collection method: clinical testing. Allele origin: germline.

Breakthrough Genomics
Classification: Likely benign. Review status: criteria provided, single submitter. Criteria: ACMG Guidelines, 2015. Collection method: not provided. Allele origin: germline. Inheritance: Autosomal recessive inheritance. Affected: yes.

NM_012140.5(SLC25A10):c.*38G>A

Gene: SLC25A10 (solute carrier family 25 member 10; plus strand). Cytogenetic location: 17q25.3.
Variant type: single nucleotide variant.
Coding change: c.*38G>A on transcript NM_012140.5 (MANE Select); 38 bases downstream of the stop codon, G replaced by A.
Molecular consequence: 3 prime UTR variant. On other transcripts: synonymous variant (1).
Genome position (GRCh38, 1-based): chr17:81,720,115, G>A. VCF-style: chr17-81720115-G-A. GRCh37 (hg19) VCF-style: chr17-79687145-G-A.
Other names: c.*38G>A (NM_001270888.2); c.819G>A, p.Thr273= (NM_001270953.2).
Identifiers: ClinVar variation 771770 (VCV000771770.38), dbSNP rs192259067, ClinGen allele CA8841966.